The following is an entry in ClinVar:

NM_004360.5(CDH1):c.*1691G>T

Gene: CDH1 (cadherin 1; plus strand). Cytogenetic location: 16q22.1.
Variant type: single nucleotide variant.
Coding change: c.*1691G>T on transcript NM_004360.5 (MANE Select); 1691 bases downstream of the stop codon, G replaced by T.
Molecular consequence: 3 prime UTR variant.
Genome position (GRCh38, 1-based): chr16:68,835,190, G>T. VCF-style: chr16-68835190-G-T. GRCh37 (hg19) VCF-style: chr16-68869093-G-T.
Other names: c.*1691G>T (NM_001317184.2, NM_001317185.2, NM_001317186.2 and 1 more transcripts).
Identifiers: ClinVar variation 320297 (VCV000320297.8), dbSNP rs373181046, ClinGen allele CA10648807.

ClinVar aggregate classification (germline): Benign. Review status: reviewed by expert panel (3 of 4 stars). 2 submissions from 2 submitters: Benign (1). 1 of the submissions does not count toward it. Last evaluated 2023-08-08.

Conditions:
CDH1-related diffuse gastric and lobular breast cancer syndrome. Also called: CDH1-related diffuse gastric and lobular breast cancer. Identifiers: MedGen CN311521, MONDO:0100488.
Hereditary diffuse gastric adenocarcinoma (HDGC). Also called: DIFFUSE GASTRIC AND LOBULAR BREAST CANCER SYNDROME. Identifiers: Orphanet 26106, MedGen C1708349, MONDO:0007648, OMIM 137215.

Allele frequency attached by ClinVar (database versions not stated): gnomAD 0.00006 and 0.00054; TOPMed 0.00009; 1000 Genomes Project 0.00359; 1000 Genomes Project 30x 0.00453.
gnomAD v4.1: 94 of 231,256 alleles (0.041%); highest among the groups gnomAD compares: South Asian, 1.4%; 3 homozygotes.

Submissions (2):

Clingen Gastric Cancer Variant Curation Expert Panel
Classification: Benign for CDH1-related diffuse gastric and lobular breast cancer syndrome. Last evaluated: 2023-08-08. Review status: reviewed by expert panel. Criteria: ClinGen CDH1 ACMG Specifications V3.1. Collection method: curation. Allele origin: germline. Inheritance: Autosomal dominant inheritance.
Comment: The NM_004360.5(CDH1):c.*1691G>T variant has an allele frequency of 0.01252 (1.252%, 38/3036 alleles) in the South Asian subpopulation of the gnomAD v3 cohort (BA1). Therefore, this variant meets criteria to be classified as benign. ACMG/AMP criteria applied, as specified by the CDH1 Variant Curation Expert Panel (Variant Interpretation Guidelines Version 3.1): BA1.

Illumina Laboratory Services, Illumina
Classification: Benign for Hereditary diffuse gastric adenocarcinoma. Last evaluated: 2018-01-13. Review status: criteria provided, single submitter. Criteria: ICSL Variant Classification Criteria 13 December 2019. Collection method: clinical testing. Allele origin: germline. Not counted in ClinVar's aggregate classification.
Comment: This variant was observed in the ICSL laboratory as part of a predisposition screen in an ostensibly healthy population. It had not been previously curated by ICSL or reported in the Human Gene Mutation Database (HGMD: prior to June 1st, 2018), and was therefore a candidate for classification through an automated scoring system. Utilizing variant allele frequency, disease prevalence and penetrance estimates, and inheritance mode, an automated score was calculated to assess if this variant is too frequent to cause the disease. Based on the score and internal cut-off values, a variant classified as benign is not then subjected to further curation. The score for this variant resulted in a classification of benign for this disease.